The following is an entry in ClinVar:

NM_182493.3(MYLK3):c.816T>C (p.Asn272=)

Gene: MYLK3 (myosin light chain kinase 3; minus strand). Cytogenetic location: 16q11.2.
Variant type: single nucleotide variant.
Coding change: c.816T>C on transcript NM_182493.3 (MANE Select); coding-DNA position 816, T replaced by C.
Protein change: p.Asn272=; no amino-acid change (asparagine 272 retained).
Molecular consequence: synonymous variant. On other transcripts: intron variant (1).
Genome position (GRCh38, 1-based): chr16:46,737,896, A>G on the plus strand (T>C on the coding strand, the complement: MYLK3 is on the minus strand). VCF-style: chr16-46737896-A-G. GRCh37 (hg19) VCF-style: chr16-46771808-A-G.
Other names: p.Asn272=; c.-23+2161T>C (NM_001308301.1).
Identifiers: ClinVar variation 1590931 (VCV001590931.9), dbSNP rs55889699, ClinGen allele CA8038140.

ClinVar aggregate classification (germline): Likely benign. Review status: criteria provided, multiple submitters, no conflicts (2 of 4 stars). 2 submissions from 2 submitters: Likely benign (2). Last evaluated 2026-02-03.

Allele frequency attached by ClinVar (database versions not stated): 1000 Genomes Project 30x 0.00047; ExAC 0.00055; gnomAD exomes 0.00058 and 0.00097; 1000 Genomes Project 0.00060; TOPMed 0.00079; gnomAD 0.00086 and 0.00088; ESP Exome Variant Server 0.00115.
gnomAD v4.1: 1,524 of 1,614,098 alleles (0.094%); highest among the groups gnomAD compares: Non-Finnish European, 0.12%; 1 homozygote.

Submissions (2):

Labcorp Genetics (formerly Invitae), Labcorp
Classification: Likely benign. Last evaluated: 2026-02-03. Review status: criteria provided, single submitter. Criteria: Invitae Variant Classification Sherloc (09022015). Collection method: clinical testing. Allele origin: germline.

Mayo Clinic Laboratories, Mayo Clinic
Classification: Likely benign. Last evaluated: 2025-09-16. Review status: criteria provided, single submitter. Criteria: ACMG Guidelines, 2015. Collection method: clinical testing. Allele origin: germline. Observed: 1 variant allele.
Comment: BS1, BP4, BP7